The following is an entry in ClinVar:

NM_014264.5(PLK4):c.1274A>G (p.Asn425Ser)

Gene: PLK4 (polo like kinase 4; plus strand). Cytogenetic location: 4q28.1.
Variant type: single nucleotide variant.
Coding change: c.1274A>G on transcript NM_014264.5 (MANE Select); coding-DNA position 1274, A replaced by G.
Protein change: p.Asn425Ser; replaces asparagine 425 with serine.
Molecular consequence: missense variant.
Genome position (GRCh38, 1-based): chr4:127,886,644, A>G. VCF-style: chr4-127886644-A-G. GRCh37 (hg19) VCF-style: chr4-128807799-A-G.
Other names: c.1178A>G, p.Asn393Ser (NM_001190799.2); c.1151A>G, p.Asn384Ser (NM_001190801.2); short protein forms N393S, N384S, N425S.
Identifiers: ClinVar variation 1492156 (VCV001492156.3), dbSNP rs111593796, ClinGen allele CA105637177.

ClinVar aggregate classification (germline): Uncertain significance (1 of 4 stars; one submission).

Allele frequency attached by ClinVar (database versions not stated): gnomAD 0.00001 and 0.00005; gnomAD exomes 0.00001; TOPMed 0.00001.

Submission:

Labcorp Genetics (formerly Invitae), Labcorp
Classification: Uncertain significance. Last evaluated: 2022-07-26. Review status: criteria provided, single submitter. Criteria: Invitae Variant Classification Sherloc (09022015). Collection method: clinical testing. Allele origin: germline.
Comment: This sequence change replaces asparagine, which is neutral and polar, with serine, which is neutral and polar, at codon 425 of the PLK4 protein (p.Asn425Ser). This variant is present in population databases (rs111593796, gnomAD 0.006%). This variant has not been reported in the literature in individuals affected with PLK4-related conditions. ClinVar contains an entry for this variant (Variation ID: 1492156). Algorithms developed to predict the effect of missense changes on protein structure and function output the following: SIFT: "Tolerated"; PolyPhen-2: "Benign"; Align-GVGD: "Class C0". The serine amino acid residue is found in multiple mammalian species, which suggests that this missense change does not adversely affect protein function. In summary, the available evidence is currently insufficient to determine the role of this variant in disease. Therefore, it has been classified as a Variant of Uncertain Significance.